The following is an entry in ClinVar:

ClinVar aggregate classification (germline): Uncertain significance (1 of 4 stars; one submission).

Allele frequency attached by ClinVar (database versions not stated): TOPMed below 0.00001; gnomAD exomes 0.00001; ExAC 0.00004; ESP Exome Variant Server 0.00008.

Submission:

Labcorp Genetics (formerly Invitae), Labcorp
Classification: Uncertain significance. Last evaluated: 2022-06-08. Review status: criteria provided, single submitter. Criteria: Invitae Variant Classification Sherloc (09022015). Collection method: clinical testing. Allele origin: germline.
Comment: This sequence change falls in intron 23 of the SLC12A1 gene. It does not directly change the encoded amino acid sequence of the SLC12A1 protein. It affects a nucleotide within the consensus splice site. This variant is present in population databases (rs762063903, gnomAD 0.002%). This variant has been observed in individual(s) with Bartter syndrome (Invitae). Variants that disrupt the consensus splice site are a relatively common cause of aberrant splicing (PMID: 17576681, 9536098). Algorithms developed to predict the effect of sequence changes on RNA splicing suggest that this variant may disrupt the consensus splice site. In summary, the available evidence is currently insufficient to determine the role of this variant in disease. Therefore, it has been classified as a Variant of Uncertain Significance.

Literature cited by the submitters: PubMed 17576681; PubMed 9536098.

NM_000338.3(SLC12A1):c.2873+2dup

Gene: SLC12A1 (solute carrier family 12 member 1; plus strand). Cytogenetic location: 15q21.1.
Variant type: Duplication.
Coding change: c.2873+2dup on transcript NM_000338.3 (MANE Select); the canonical splice donor site of the intron after coding-DNA position 2873, one base duplicated (T; older notation c.2873+2dupT).
Molecular consequence: splice donor variant.
Genome position (GRCh38, 1-based): chr15:48,288,518, T duplicated. VCF-style (leftmost placement, unchanged base first): chr15-48288517-G-GT. GRCh37 (hg19) VCF-style: chr15-48580714-G-GT.
Other names: c.2873+2dup (NM_001384136.1, NM_001184832.2).
Identifiers: ClinVar variation 2107139 (VCV002107139.4), dbSNP rs762063903, ClinGen allele CA7547536.